The following is an entry in ClinVar:

ClinVar aggregate classification (germline): Likely pathogenic (1 of 4 stars; one submission).

gnomAD v4.1: 3 of 1,614,174 alleles (0.00019%); highest among the groups gnomAD compares: East Asian, 0.0067%; no homozygotes.

Submission:

Dasa
Classification: Likely pathogenic. Last evaluated: 2024-10-30. Review status: criteria provided, single submitter. Criteria: DASA Assertion Criteria. Collection method: clinical testing. Allele origin: germline.
Comment: NM_019032.6(ADAMTSL4):c.1255G>T (p.Glu419*) is a nonsense variant in ADAMTSL4 predicted to introduce a premature termination codon and is predicted to result in an absent or altered protein product. Loss of function is an established disease mechanism for ADAMTSL4-associated disorders. Also, this variant is rare in population databases. Based on the currently available evidence, this variant is classified as likely pathogenic.

NM_019032.6(ADAMTSL4):c.1255G>T (p.Glu419Ter)

Genes: ADAMTSL4 (ADAMTS like 4; plus strand), ADAMTSL4-AS2 (ADAMTSL4 antisense RNA 2; minus strand). Cytogenetic location: 1q21.2.
Variant type: single nucleotide variant.
Coding change: c.1255G>T on transcript NM_019032.6 (MANE Select); coding-DNA position 1255, G replaced by T.
Protein change: p.Glu419Ter; replaces glutamic acid 419 with a stop codon.
Molecular consequence: nonsense.
Genome position (GRCh38, 1-based): chr1:150,555,449, G>T. VCF-style: chr1-150555449-G-T. GRCh37 (hg19) VCF-style: chr1-150527925-G-T.
Other names: c.1324G>T, p.Glu442Ter (NM_001288607.2, NM_001288608.2); c.1255G>T, p.Glu419Ter (NM_001378596.1, NM_025008.5); short protein forms E419*, E442*.
Identifiers: ClinVar variation 4881813 (VCV004881813.2).